The following is an entry in ClinVar:

ClinVar aggregate classification (germline): Uncertain significance. Review status: criteria provided, multiple submitters, no conflicts (2 of 4 stars). 2 submissions from 2 submitters: Uncertain significance (2). Last evaluated 2025-11-13.

Conditions:
Glycogen storage disease type III (GSD3). Also called: Cori disease; FORBES DISEASE. Identifiers: Orphanet 366, MedGen C0017922, MONDO:0009291, OMIM 232400.
Inborn genetic diseases. Identifiers: MedGen C0950123, MeSH D030342.

Allele frequency attached by ClinVar (database versions not stated): gnomAD exomes below 0.00001.
gnomAD v4.1: 3 of 1,613,532 alleles (0.00019%); highest among the groups gnomAD compares: Non-Finnish European, 0.00025%; no homozygotes.

Submissions (2):

Ambry Genetics
Classification: Uncertain significance for Inborn genetic diseases. Last evaluated: 2025-11-13. Review status: criteria provided, single submitter. Criteria: Ambry Variant Classification Scheme 2023. Collection method: clinical testing. Allele origin: germline.

Labcorp Genetics (formerly Invitae), Labcorp
Classification: Uncertain significance for Glycogen storage disease type III. Last evaluated: 2021-08-05. Review status: criteria provided, single submitter. Criteria: Invitae Variant Classification Sherloc (09022015). Collection method: clinical testing. Allele origin: germline.
Comment: In summary, the available evidence is currently insufficient to determine the role of this variant in disease. Therefore, it has been classified as a Variant of Uncertain Significance. Algorithms developed to predict the effect of missense changes on protein structure and function are either unavailable or do not agree on the potential impact of this missense change (SIFT: "Deleterious"; PolyPhen-2: "Probably Damaging"; Align-GVGD: "Class C0"). This variant has not been reported in the literature in individuals affected with AGL-related conditions. This variant is not present in population databases (ExAC no frequency). This sequence change replaces isoleucine with threonine at codon 1124 of the AGL protein (p.Ile1124Thr). The isoleucine residue is highly conserved and there is a moderate physicochemical difference between isoleucine and threonine.

NM_000642.3(AGL):c.3371T>C (p.Ile1124Thr)

Gene: AGL (amylo-alpha-1,6-glucosidase and 4-alpha-glucanotransferase; plus strand). Cytogenetic location: 1p21.2.
Variant type: single nucleotide variant.
Coding change: c.3371T>C on transcript NM_000642.3 (MANE Select); coding-DNA position 3371, T replaced by C.
Protein change: p.Ile1124Thr; replaces isoleucine 1124 with threonine.
Molecular consequence: missense variant.
Genome position (GRCh38, 1-based): chr1:99,900,644, T>C. VCF-style: chr1-99900644-T-C. GRCh37 (hg19) VCF-style: chr1-100366200-T-C.
Other names: c.3371T>C, p.Ile1124Thr (NM_000028.3, NM_000643.3, NM_000644.3 and 1 more transcripts); c.3323T>C, p.Ile1108Thr (NM_000646.3); c.3350T>C, p.Ile1117Thr (NM_001425326.1); c.3170T>C, p.Ile1057Thr (NM_001425327.1); c.3167T>C, p.Ile1056Thr (NM_001425328.1); c.3032T>C, p.Ile1011Thr (NM_001425329.1); c.2993T>C, p.Ile998Thr (NM_001425332.1); c.3371T>C (NM_000642.2); short protein forms I1124T, I1108T, I1011T, I1056T, I1057T, I1117T, I998T.
Identifiers: ClinVar variation 1480863 (VCV001480863.5), dbSNP rs2100817894, ClinGen allele CA341330525.